The following is an entry in ClinVar:

NM_004320.6(ATP2A1):c.524T>G (p.Val175Gly)

Gene: ATP2A1 (ATPase sarcoplasmic/endoplasmic reticulum Ca2+ transporting 1; plus strand). Cytogenetic location: 16p11.2.
Variant type: single nucleotide variant.
Coding change: c.524T>G on transcript NM_004320.6 (MANE Select); coding-DNA position 524, T replaced by G.
Protein change: p.Val175Gly; replaces valine 175 with glycine.
Molecular consequence: missense variant.
Genome position (GRCh38, 1-based): chr16:28,884,635, T>G. VCF-style: chr16-28884635-T-G. GRCh37 (hg19) VCF-style: chr16-28895956-T-G.
Other names: c.149T>G, p.Val50Gly (NM_001286075.2); c.524T>G, p.Val175Gly (NM_173201.5); short protein forms V175G, V50G.
Identifiers: ClinVar variation 2171860 (VCV002171860.4), dbSNP rs2506269302, ClinGen allele CA395401663.

ClinVar aggregate classification (germline): Uncertain significance (1 of 4 stars; one submission).

Conditions:
Brody myopathy. Also called: BRODY DISEASE. Identifiers: Orphanet 53347, MedGen C1832918, MONDO:0010977, OMIM 601003.

Submission:

Labcorp Genetics (formerly Invitae), Labcorp
Classification: Uncertain significance for Brody myopathy. Last evaluated: 2023-05-22. Review status: criteria provided, single submitter. Criteria: Invitae Variant Classification Sherloc (09022015). Collection method: clinical testing. Allele origin: germline.
Comment: An algorithm developed to predict the effect of missense changes on protein structure and function (PolyPhen-2) suggests that this variant is likely to be disruptive. ClinVar contains an entry for this variant (Variation ID: 2171860). This variant has not been reported in the literature in individuals affected with ATP2A1-related conditions. This variant is not present in population databases (gnomAD no frequency). This sequence change replaces valine, which is neutral and non-polar, with glycine, which is neutral and non-polar, at codon 175 of the ATP2A1 protein (p.Val175Gly). In summary, the available evidence is currently insufficient to determine the role of this variant in disease. Therefore, it has been classified as a Variant of Uncertain Significance.